The following is an entry in ClinVar:

NM_020922.5(WNK3):c.1508T>G (p.Leu503Trp)

Gene: WNK3 (WNK lysine deficient protein kinase 3; minus strand). Cytogenetic location: Xp11.22.
Variant type: single nucleotide variant.
Coding change: c.1508T>G on transcript NM_020922.5 (MANE Select); coding-DNA position 1508, T replaced by G.
Protein change: p.Leu503Trp; replaces leucine 503 with tryptophan.
Molecular consequence: missense variant.
Genome position (GRCh38, 1-based): chrX:54,294,738, A>C on the plus strand (T>G on the coding strand, the complement: WNK3 is on the minus strand). VCF-style: chrX-54294738-A-C. GRCh37 (hg19) VCF-style: chrX-54321171-A-C.
Other names: c.1508T>G, p.Leu503Trp (NM_001002838.4, NM_001395166.1); short protein forms L503W.
Identifiers: ClinVar variation 4530844 (VCV004530844.2).

ClinVar aggregate classification (germline): Uncertain significance (1 of 4 stars; one submission).

Submission:

GeneDx
Classification: Uncertain significance. Last evaluated: 2025-12-21. Review status: criteria provided, single submitter. Criteria: GeneDx Variant Classification Process June 2021. Collection method: clinical testing. Allele origin: germline.
Comment: Not observed at significant frequency in large population cohorts (gnomAD); In silico analysis supports that this missense variant has a deleterious effect on protein structure/function; Has not been previously published as pathogenic or benign to our knowledge